The following is an entry in ClinVar:

ClinVar aggregate classification (germline): Benign. Review status: criteria provided, multiple submitters, no conflicts (2 of 4 stars). 3 submissions from 2 submitters: Benign (3). Last evaluated 2021-05-19.

Conditions:
Cutis laxa. Identifiers: Orphanet 209, MedGen C0010495, MONDO:0016175, HP:0000973.
Macular degeneration, age-related, 3 (ARMD3). Identifiers: Orphanet 280598, MedGen C1837187, MONDO:0012145, OMIM 608895.

Allele frequency attached by ClinVar (database versions not stated): gnomAD exomes 0.00098; gnomAD 0.01887 and 0.02046; 1000 Genomes Project 30x 0.01889; 1000 Genomes Project 0.01897; TOPMed 0.02187.
gnomAD v4.1: 2,843 of 154,366 alleles (1.8%); highest among the groups gnomAD compares: African/African-American, 6.5%; 101 homozygotes.

Submissions (3):

GeneDx
Classification: Benign. Last evaluated: 2021-05-19. Review status: criteria provided, single submitter. Criteria: GeneDx Variant Classification Process June 2021. Collection method: clinical testing. Allele origin: germline. Affected: yes.

Illumina Laboratory Services, Illumina
Classification: Benign for Macular degeneration, age-related, 3. Last evaluated: 2018-01-12. Review status: criteria provided, single submitter. Criteria: ICSL Variant Classification Criteria 13 December 2019. Collection method: clinical testing. Allele origin: germline.
Comment: This variant was observed in the ICSL laboratory as part of a predisposition screen in an ostensibly healthy population. It had not been previously curated by ICSL or reported in the Human Gene Mutation Database (HGMD: prior to June 1st, 2018), and was therefore a candidate for classification through an automated scoring system. Utilizing variant allele frequency, disease prevalence and penetrance estimates, and inheritance mode, an automated score was calculated to assess if this variant is too frequent to cause the disease. Based on the score and internal cut-off values, a variant classified as benign is not then subjected to further curation. The score for this variant resulted in a classification of benign for this disease.

Illumina Laboratory Services, Illumina
Classification: Benign for Cutis laxa. Last evaluated: 2018-01-12. Review status: criteria provided, single submitter. Criteria: ICSL Variant Classification Criteria 13 December 2019. Collection method: clinical testing. Allele origin: germline.
Comment: the same text as in the submission from Illumina Laboratory Services, Illumina above.

NM_006329.4(FBLN5):c.*623A>T

Gene: FBLN5 (fibulin 5; minus strand). Cytogenetic location: 14q32.12.
Variant type: single nucleotide variant.
Coding change: c.*623A>T on transcript NM_006329.4 (MANE Select); 623 bases downstream of the stop codon, A replaced by T.
Molecular consequence: 3 prime UTR variant.
Genome position (GRCh38, 1-based): chr14:91,869,601, T>A on the plus strand (A>T on the coding strand, the complement: FBLN5 is on the minus strand). VCF-style: chr14-91869601-T-A. GRCh37 (hg19) VCF-style: chr14-92335945-T-A.
Other names: c.*623A>T (NM_001384158.1, NM_001384159.1, NM_001384162.1); c.*754A>T (NM_001384160.1, NM_001384161.1).
Identifiers: ClinVar variation 314863 (VCV000314863.6), dbSNP rs77357345, ClinGen allele CA10641268.
Genomic context (GRCh38, chr14:91,869,601, plus strand): 5'-GGAAGACAGAACATAGCATGTGTCTGAAGGCCTTTCGAAGGAATTCTACGACATATTTTT[T>A]AAAAATACTCAAAATGAACAAGACAGAATTAAACCGTTATACAAATTTAAGGACAACTGA-3'